The following is an entry in ClinVar:

ClinVar aggregate classification (germline): Uncertain significance (1 of 4 stars; one submission).

Conditions:
Brown syndrome. Also called: Brown anomaly. Identifiers: MedGen C0155339, MONDO:0014624, OMIM 616407, HP:0031622.

Submission:

Broad Center for Mendelian Genomics, Broad Institute of MIT and Harvard
Classification: Uncertain significance for Brown syndrome. Last evaluated: 2024-03-13. Review status: criteria provided, single submitter. Criteria: ACMG Guidelines, 2015. Collection method: curation. Allele origin: germline. Inheritance: Autosomal dominant inheritance.
Comment: The heterozygous p.Ile274Thr variant in MAFB was identified by our study in monozygotic twins with Brown syndrome, via a collaborative study between the Broad Institute's Center for Mendelian Genomics and the Engle lab. The p.Ile274Thr variant in MAFB has not been previously reported in individuals with Duane retraction syndrome 3 with or without deafness. This variant was absent from large population studies. Computational prediction tools and conservation analyses do not provide strong support for or against an impact to the protein. In summary, the clinical significance of the p.Ile274Thr variant is uncertain. ACMG/AMP Criteria applied: PM2_Supporting (Richards 2015).

Literature cited by the submitters: PubMed 39033378.

NM_005461.5(MAFB):c.821T>C (p.Ile274Thr)

Gene: MAFB (MAF bZIP transcription factor B; minus strand). Cytogenetic location: 20q12.
Variant type: single nucleotide variant.
Coding change: c.821T>C on transcript NM_005461.5 (MANE Select); coding-DNA position 821, T replaced by C.
Protein change: p.Ile274Thr; replaces isoleucine 274 with threonine.
Molecular consequence: missense variant.
Genome position (GRCh38, 1-based): chr20:40,688,030, A>G on the plus strand (T>C on the coding strand, the complement: MAFB is on the minus strand). VCF-style: chr20-40688030-A-G. GRCh37 (hg19) VCF-style: chr20-39316670-A-G.
Other names: NM_005461.5:c.821T>C; short protein forms I274T.
Identifiers: ClinVar variation 3061824 (VCV003061824.1), dbSNP rs2515462540, ClinGen allele CA408940312.